The following is an entry in ClinVar:

NM_000038.6(APC):c.5801C>G (p.Pro1934Arg)

Gene: APC (APC regulator of Wnt signaling pathway; plus strand). Cytogenetic location: 5q22.2.
Variant type: single nucleotide variant.
Coding change: c.5801C>G on transcript NM_000038.6 (MANE Select); coding-DNA position 5801, C replaced by G.
Protein change: p.Pro1934Arg; replaces proline 1934 with arginine.
Molecular consequence: missense variant.
Genome position (GRCh38, 1-based): chr5:112,841,395, C>G. VCF-style: chr5-112841395-C-G. GRCh37 (hg19) VCF-style: chr5-112177092-C-G.
Other names: c.5801C>G, p.Pro1934Arg (NM_001127510.3, NM_001354895.2); c.5747C>G, p.Pro1916Arg (NM_001127511.3); c.5855C>G, p.Pro1952Arg (NM_001354896.2); c.5831C>G, p.Pro1944Arg (NM_001354897.2); c.5726C>G, p.Pro1909Arg (NM_001354898.2); c.5717C>G, p.Pro1906Arg (NM_001354899.2); c.5678C>G, p.Pro1893Arg (NM_001354900.2); c.5624C>G, p.Pro1875Arg (NM_001354901.2); and 5 more; short protein forms P1934R, P1916R, P1651R, P1774R, P1909R, P1833R, P1843R, P1875R.
Identifiers: ClinVar variation 470022 (VCV000470022.18), dbSNP rs587780600, ClinGen allele CA16034023.
Genomic context (GRCh38, chr5:112,841,395, plus strand): 5'-CAAAGCAGCCAATAAATCGAGGTCAGCCTAAACCCATACTTCAGAAACAATCCACTTTTC[C>G]CCAGTCATCCAAAGACATACCAGACAGAGGGGCAGCAACTGATGAAAAGTTACAGAATTT-3'
Protein context (NP_000029.2, residues 1924-1944): KPILQKQSTF[Pro1934Arg]QSSKDIPDRG

ClinVar aggregate classification (germline): Uncertain significance. Review status: criteria provided, multiple submitters, no conflicts (2 of 4 stars). 5 submissions from 5 submitters: Uncertain significance (5). Last evaluated 2025-12-22.

Conditions:
Familial adenomatous polyposis 1 (FAP1). Also called: POLYPOSIS, ADENOMATOUS INTESTINAL; FAMILIAL ADENOMATOUS POLYPOSIS 1, ATTENUATED. Identifiers: MedGen C2713442, MONDO:0021056, OMIM 175100. Disease mechanism: loss of function.
Hereditary cancer-predisposing syndrome. Also called: Hereditary neoplastic syndrome; Neoplastic Syndromes, Hereditary; Tumor predisposition; Hereditary Cancer Syndrome. Identifiers: Orphanet 140162, MedGen C0027672, MeSH D009386, MONDO:0015356.

Allele frequency attached by ClinVar (database versions not stated): TOPMed 0.00002.
gnomAD v4.1: 3 of 1,613,812 alleles (0.00019%); highest among the groups gnomAD compares: African/African-American, 0.0027%; no homozygotes.

Submissions (5):

Labcorp Genetics (formerly Invitae), Labcorp
Classification: Uncertain significance for Familial adenomatous polyposis 1. Last evaluated: 2025-12-22. Review status: criteria provided, single submitter. Criteria: Invitae Variant Classification Sherloc (09022015). Collection method: clinical testing. Allele origin: germline.
Comment: This sequence change replaces proline, which is neutral and non-polar, with arginine, which is basic and polar, at codon 1934 of the APC protein (p.Pro1934Arg). This variant is not present in population databases (gnomAD no frequency). This variant has not been reported in the literature in individuals affected with APC-related conditions. ClinVar contains an entry for this variant (Variation ID: 470022). Invitae Evidence Modeling of protein sequence and biophysical properties (such as structural, functional, and spatial information, amino acid conservation, physicochemical variation, residue mobility, and thermodynamic stability) indicates that this missense variant is not expected to disrupt APC protein function with a negative predictive value of 95%. In summary, the available evidence is currently insufficient to determine the role of this variant in disease. Therefore, it has been classified as a Variant of Uncertain Significance.

GeneDx
Classification: Uncertain significance. Last evaluated: 2025-07-15. Review status: criteria provided, single submitter. Criteria: GeneDx Variant Classification Process June 2021. Collection method: clinical testing. Allele origin: germline. Affected: yes.
Comment: Not observed at significant frequency in large population cohorts (gnomAD); In silico analysis suggests that this missense variant does not alter protein structure/function; Has not been previously published as pathogenic or benign to our knowledge; This variant is associated with the following publications: (PMID: 18199528)

Baylor Genetics
Classification: Uncertain significance for Familial adenomatous polyposis 1. Last evaluated: 2023-06-16. Review status: criteria provided, single submitter. Criteria: ACMG Guidelines, 2015. Collection method: clinical testing. Allele origin: unknown.

Color Diagnostics, LLC DBA Color Health
Classification: Uncertain significance for Hereditary cancer-predisposing syndrome. Last evaluated: 2023-01-13. Review status: criteria provided, single submitter. Criteria: ACMG Guidelines, 2015. Collection method: clinical testing. Allele origin: germline.
Comment: This missense variant replaces proline with arginine at codon 1934 of the APC protein. Computational prediction suggests that this variant may not impact protein structure and function (internally defined REVEL score threshold <= 0.5, PMID: 27666373). To our knowledge, functional studies have not been reported for this variant. This variant has not been reported in individuals affected with APC-related disorders in the literature. This variant has not been identified in the general population by the Genome Aggregation Database (gnomAD). The available evidence is insufficient to determine the role of this variant in disease conclusively. Therefore, this variant is classified as a Variant of Uncertain Significance.

Ambry Genetics
Classification: Uncertain significance for Hereditary cancer-predisposing syndrome. Last evaluated: 2022-11-07. Review status: criteria provided, single submitter. Criteria: Ambry Variant Classification Scheme 2023. Collection method: clinical testing. Allele origin: germline.
Comment: The p.P1934R variant (also known as c.5801C>G), located in coding exon 15 of the APC gene, results from a C to G substitution at nucleotide position 5801. The proline at codon 1934 is replaced by arginine, an amino acid with dissimilar properties. This amino acid position is not well conserved in available vertebrate species. In addition, in silico predictors for this gene do not accurately predict pathogenicity. Since supporting evidence is limited at this time, the clinical significance of this alteration remains unclear.